The following is an entry in ClinVar:

NC_000012.11:g.(?_41408010)_(41423041_?)del

Gene: CNTN1 (contactin 1; plus strand). Cytogenetic location: 12q12.
Variant type: Deletion.
Identifiers: ClinVar variation 2424252 (VCV002424252.7).

ClinVar aggregate classification (germline): Uncertain significance (1 of 4 stars; one submission).

Conditions:
Compton-North congenital myopathy (CMYO12). Identifiers: Orphanet 210163, MedGen C2675527, MONDO:0012929, OMIM 612540.

Submission:

Labcorp Genetics (formerly Invitae), Labcorp
Classification: Uncertain significance for Compton-North congenital myopathy. Last evaluated: 2022-05-04. Review status: criteria provided, single submitter. Criteria: Invitae Variant Classification Sherloc (09022015). Collection method: clinical testing. Allele origin: germline.
Comment: This variant is a gross deletion of the genomic region encompassing exon(s) 18-23 of the CNTN1 gene. This variant would be expected to be in-frame, preserving the integrity of the reading frame. This variant has not been reported in the literature in individuals affected with CNTN1-related conditions. Experimental studies and prediction algorithms are not available or were not evaluated, and the functional significance of this variant is currently unknown. In summary, the available evidence is currently insufficient to determine the role of this variant in disease. Therefore, it has been classified as a Variant of Uncertain Significance.